The following is an entry in ClinVar:

ClinVar aggregate classification (germline): Uncertain significance. Review status: criteria provided, multiple submitters, no conflicts (2 of 4 stars). 2 submissions from 2 submitters: Uncertain significance (2). Last evaluated 2023-10-02.

Conditions:
ATRN-related disorder. Also called: ATRN-related condition.

Allele frequency attached by ClinVar (database versions not stated): gnomAD exomes below 0.00001; gnomAD 0.00003; TOPMed 0.00007.
gnomAD v4.1: 9 of 1,524,526 alleles (0.00059%); highest among the groups gnomAD compares: African/African-American, 0.0056%; no homozygotes.

Submissions (2):

Ambry Genetics
Classification: Uncertain significance. Last evaluated: 2023-10-02. Review status: criteria provided, single submitter. Criteria: Ambry Variant Classification Scheme 2023. Collection method: clinical testing. Allele origin: germline.

PreventionGenetics, part of Exact Sciences
Classification: Uncertain significance for ATRN-related condition. Last evaluated: 2023-07-04. Review status: criteria provided, single submitter. Criteria: ACMG Guidelines, 2015. Collection method: clinical testing. Allele origin: germline.
Comment: The ATRN c.491G>T variant is predicted to result in the amino acid substitution p.Gly164Val. To our knowledge, this variant has not been reported in the literature. This variant is reported in 0.012% of alleles in individuals of African descent in gnomAD. At this time, the clinical significance of this variant is uncertain due to the absence of conclusive functional and genetic evidence.

NM_139321.3(ATRN):c.491G>T (p.Gly164Val)

Gene: ATRN (attractin; plus strand). Cytogenetic location: 20p13.
Variant type: single nucleotide variant.
Coding change: c.491G>T on transcript NM_139321.3 (MANE Select); coding-DNA position 491, G replaced by T.
Protein change: p.Gly164Val; replaces glycine 164 with valine.
Molecular consequence: missense variant.
Genome position (GRCh38, 1-based): chr20:3,535,333, G>T. VCF-style: chr20-3535333-G-T. GRCh37 (hg19) VCF-style: chr20-3515980-G-T.
Other names: c.143G>T, p.Gly48Val (NM_001207047.3); c.491G>T, p.Gly164Val (NM_001323332.2, NM_139322.4); short protein forms G164V, G48V.
Identifiers: ClinVar variation 2629116 (VCV002629116.2), dbSNP rs932890371, ClinGen allele CA310687466.
Genomic context (GRCh38, chr20:3,535,333, plus strand): 5'-TTGTGACAGATGGACCTGGAAATTATAAATACAAAACGAAGTGCACGTGGCTCATTGAAG[G>T]ACAGTAAGTAGAAATGGCTGACTTAATTTTTGTTTTTTTAGCATAGAAGTCAGTGTGACA-3'
Protein context (NP_647537.1, residues 154-174): YKTKCTWLIE[Gly164Val]QPNRIMRLRF